The following is an entry in ClinVar:

ClinVar aggregate classification (germline): Uncertain significance (1 of 4 stars; one submission).

Conditions:
Cardiovascular phenotype. Identifiers: MedGen CN230736.

Submission:

Ambry Genetics
Classification: Uncertain significance for Cardiovascular phenotype. Last evaluated: 2018-04-16. Review status: criteria provided, single submitter. Criteria: Ambry Variant Classification Scheme 2023. Collection method: clinical testing. Allele origin: germline.
Comment: The p.F35V variant (also known as c.103T>G), located in coding exon 2 of the NEXN gene, results from a T to G substitution at nucleotide position 103. The phenylalanine at codon 35 is replaced by valine, an amino acid with highly similar properties. This amino acid position is highly conserved in available vertebrate species. In addition, this alteration is predicted to be deleterious by in silico analysis. Since supporting evidence is limited at this time, the clinical significance of this alteration remains unclear.

NM_144573.4(NEXN):c.103T>G (p.Phe35Val)

Gene: NEXN (nexilin F-actin binding protein; plus strand). Cytogenetic location: 1p31.1.
Variant type: single nucleotide variant.
Coding change: c.103T>G on transcript NM_144573.4 (MANE Select); coding-DNA position 103, T replaced by G.
Protein change: p.Phe35Val; replaces phenylalanine 35 with valine.
Molecular consequence: missense variant. On other transcripts: intron variant (1).
Genome position (GRCh38, 1-based): chr1:77,917,641, T>G. VCF-style: chr1-77917641-T-G. GRCh37 (hg19) VCF-style: chr1-78383326-T-G.
Other names: c.28-319T>G (NM_001172309.2); short protein forms F35V.
Identifiers: ClinVar variation 1773838 (VCV001773838.2), dbSNP rs2526781893, ClinGen allele CA340885391.